The following is an entry in ClinVar:

NM_001009944.3(PKD1):c.3371C>T (p.Ala1124Val)

Gene: PKD1 (polycystin 1, transient receptor potential channel interacting; minus strand). Cytogenetic location: 16p13.3.
Variant type: single nucleotide variant.
Coding change: c.3371C>T on transcript NM_001009944.3 (MANE Select); coding-DNA position 3371, C replaced by T.
Protein change: p.Ala1124Val; replaces alanine 1124 with valine.
Molecular consequence: missense variant.
Genome position (GRCh38, 1-based): chr16:2,111,796, G>A on the plus strand (C>T on the coding strand, the complement: PKD1 is on the minus strand). VCF-style: chr16-2111796-G-A. GRCh37 (hg19) VCF-style: chr16-2161797-G-A.
Other names: c.3371C>T, p.Ala1124Val (NM_000296.4); short protein forms A1124V.
Identifiers: ClinVar variation 4993378 (VCV004993378.1).

ClinVar aggregate classification (germline): Uncertain significance (1 of 4 stars; one submission).

Conditions:
PKD1-related disorder. Also called: PKD1-related condition.

Submission:

PreventionGenetics, part of Exact Sciences
Classification: Uncertain significance for PKD1-related condition. Last evaluated: 2025-11-14. Review status: criteria provided, single submitter. Criteria: ACMG Guidelines, 2015. Collection method: clinical testing. Allele origin: germline.
Comment: The PKD1 c.3371C>T variant is predicted to result in the amino acid substitution p.Ala1124Val. To our knowledge, this variant has not been reported in the literature or in a large population database (gnomAD), indicating this variant is rare. At this time, the clinical significance of this variant is uncertain due to the absence of conclusive functional and genetic evidence.